The following is an entry in ClinVar:

NM_004304.5(ALK):c.1592G>C (p.Ser531Thr)

Gene: ALK (ALK receptor tyrosine kinase; minus strand). Cytogenetic location: 2p23.2.
Variant type: single nucleotide variant.
Coding change: c.1592G>C on transcript NM_004304.5 (MANE Select); coding-DNA position 1592, G replaced by C.
Protein change: p.Ser531Thr; replaces serine 531 with threonine.
Molecular consequence: missense variant.
Genome position (GRCh38, 1-based): chr2:29,318,359, C>G on the plus strand (G>C on the coding strand, the complement: ALK is on the minus strand). VCF-style: chr2-29318359-C-G. GRCh37 (hg19) VCF-style: chr2-29541225-C-G.
Other names: short protein forms S531T.
Identifiers: ClinVar variation 4673367 (VCV004673367.1).

ClinVar aggregate classification (germline): Uncertain significance (1 of 4 stars; one submission).

Conditions:
Hereditary cancer-predisposing syndrome. Also called: Neoplastic Syndromes, Hereditary; Tumor predisposition; Hereditary Cancer Syndrome; Hereditary neoplastic syndrome. Identifiers: Orphanet 140162, MedGen C0027672, MeSH D009386, MONDO:0015356.

Submission:

Ambry Genetics
Classification: Uncertain significance for Hereditary cancer-predisposing syndrome. Last evaluated: 2025-10-02. Review status: criteria provided, single submitter. Criteria: Ambry Variant Classification Scheme 2023. Collection method: clinical testing. Allele origin: germline.
Comment: The p.S531T variant (also known as c.1592G>C), located in coding exon 8 of the ALK gene, results from a G to C substitution at nucleotide position 1592. The serine at codon 531 is replaced by threonine, an amino acid with similar properties. This amino acid position is conserved. In addition, this alteration is predicted to be tolerated by in silico analysis. Based on the available evidence, the clinical significance of this variant remains unclear.